The following is an entry in ClinVar:

ClinVar aggregate classification (germline): Uncertain significance (1 of 4 stars; one submission).

Submission:

Labcorp Genetics (formerly Invitae), Labcorp
Classification: Uncertain significance. Last evaluated: 2025-10-03. Review status: criteria provided, single submitter. Criteria: Invitae Variant Classification Sherloc (09022015). Collection method: clinical testing. Allele origin: germline.
Comment: This sequence change replaces alanine, which is neutral and non-polar, with threonine, which is neutral and polar, at codon 368 of the DDR2 protein (p.Ala368Thr). This variant is not present in population databases (gnomAD no frequency). This variant has not been reported in the literature in individuals affected with DDR2-related conditions. An algorithm developed to predict the effect of missense changes on protein structure and function (PolyPhen-2) suggests that this variant is likely to be tolerated. In summary, the available evidence is currently insufficient to determine the role of this variant in disease. Therefore, it has been classified as a Variant of Uncertain Significance.

NM_006182.4(DDR2):c.1102G>A (p.Ala368Thr)

Gene: DDR2 (discoidin domain receptor tyrosine kinase 2; plus strand). Cytogenetic location: 1q23.3.
Variant type: single nucleotide variant.
Coding change: c.1102G>A on transcript NM_006182.4 (MANE Select); coding-DNA position 1102, G replaced by A.
Protein change: p.Ala368Thr; replaces alanine 368 with threonine.
Molecular consequence: missense variant.
Genome position (GRCh38, 1-based): chr1:162,766,003, G>A. VCF-style: chr1-162766003-G-A. GRCh37 (hg19) VCF-style: chr1-162735793-G-A.
Other names: c.1102G>A, p.Ala368Thr (NM_001014796.3, NM_001354982.2, NM_001354983.2); short protein forms A368T.
Identifiers: ClinVar variation 4728398 (VCV004728398.1).
Genomic context (GRCh38, chr1:162,766,003, plus strand): 5'-AGAAAACACTAGCTGTCTGTCTTCTCCCTGGCTCTGACTCACCCTTGTTTTATAACAGAT[G>A]CTGCAATGTACAACAACTCTGAAGCCCTGCCCACCTCTCCTATGGCACCCACAACCTATG-3'
Protein context (NP_006173.2, residues 358-378): MFSEITFQSD[Ala368Thr]AMYNNSEALP